The following is an entry in ClinVar:

ClinVar aggregate classification (germline): Uncertain significance. Review status: criteria provided, multiple submitters, no conflicts (2 of 4 stars). 2 submissions from 2 submitters: Uncertain significance (2). Last evaluated 2023-10-24.

Allele frequency attached by ClinVar (database versions not stated): gnomAD 0.00001; TOPMed 0.00001; gnomAD exomes 0.00003.

Submissions (2):

Labcorp Genetics (formerly Invitae), Labcorp
Classification: Uncertain significance. Last evaluated: 2023-10-24. Review status: criteria provided, single submitter. Criteria: Invitae Variant Classification Sherloc (09022015). Collection method: clinical testing. Allele origin: germline.
Comment: This sequence change replaces methionine, which is neutral and non-polar, with valine, which is neutral and non-polar, at codon 1738 of the GREB1L protein (p.Met1738Val). This variant is present in population databases (no rsID available, gnomAD 0.005%). This variant has not been reported in the literature in individuals affected with GREB1L-related conditions. An algorithm developed to predict the effect of missense changes on protein structure and function (PolyPhen-2) suggests that this variant is likely to be disruptive. In summary, the available evidence is currently insufficient to determine the role of this variant in disease. Therefore, it has been classified as a Variant of Uncertain Significance.

Blueprint Genetics
Classification: Uncertain significance. Last evaluated: 2023-07-14. Review status: criteria provided, single submitter. Criteria: ACMG Guidelines, 2015. Collection method: clinical testing. Allele origin: germline.

NM_001142966.3(GREB1L):c.5212A>G (p.Met1738Val)

Gene: GREB1L (GREB1 like retinoic acid receptor coactivator; plus strand). Cytogenetic location: 18q11.2.
Variant type: single nucleotide variant.
Coding change: c.5212A>G on transcript NM_001142966.3 (MANE Select); coding-DNA position 5212, A replaced by G.
Protein change: p.Met1738Val; replaces methionine 1738 with valine.
Molecular consequence: missense variant.
Genome position (GRCh38, 1-based): chr18:21,516,695, A>G. VCF-style: chr18-21516695-A-G. GRCh37 (hg19) VCF-style: chr18-19096656-A-G.
Other names: c.5341A>G, p.Met1781Val (NM_001410867.1); c.4885A>G, p.Met1629Val (NM_001410868.1); short protein forms M1629V, M1781V, M1738V.
Identifiers: ClinVar variation 3003373 (VCV003003373.4), dbSNP rs1184537366, ClinGen allele CA401735366.